The following is an entry in ClinVar:

NM_000093.5(COL5A1):c.5167G>A (p.Val1723Met)

Genes: COL5A1 (collagen type V alpha 1 chain; plus strand), LOC101448202 (uncharacterized LOC101448202; minus strand). Cytogenetic location: 9q34.3.
Variant type: single nucleotide variant.
Coding change: c.5167G>A on transcript NM_000093.5 (MANE Select); coding-DNA position 5167, G replaced by A.
Protein change: p.Val1723Met; replaces valine 1723 with methionine.
Molecular consequence: missense variant.
Genome position (GRCh38, 1-based): chr9:134,835,001, G>A. VCF-style: chr9-134835001-G-A. GRCh37 (hg19) VCF-style: chr9-137726847-G-A.
Other names: c.5167G>A, p.Val1723Met (NM_001278074.1); short protein forms V1723M.
Identifiers: ClinVar variation 3622287 (VCV003622287.2).

ClinVar aggregate classification (germline): Uncertain significance (1 of 4 stars; one submission).

Conditions:
Ehlers-Danlos syndrome, classic type, 1 (EDSCL1). Also called: EHLERS-DANLOS SYNDROME, GRAVIS TYPE; EHLERS-DANLOS SYNDROME, SEVERE CLASSIC TYPE; Ehlers-Danlos syndrome, type 1; Ehlers-Danlos Syndrome, Classic Type, COL5A1-Related; EDS I. Identifiers: MedGen C0268335, MONDO:0019567, OMIM 130000.

gnomAD v4.1: 1 of 1,613,762 alleles (0.000062%); highest among the groups gnomAD compares: East Asian, 0.0022%; no homozygotes.

Submission:

Labcorp Genetics (formerly Invitae), Labcorp
Classification: Uncertain significance for Ehlers-Danlos syndrome, classic type, 1. Last evaluated: 2025-01-21. Review status: criteria provided, single submitter. Criteria: Invitae Variant Classification Sherloc (09022015). Collection method: clinical testing. Allele origin: germline.
Comment: This sequence change replaces valine, which is neutral and non-polar, with methionine, which is neutral and non-polar, at codon 1723 of the COL5A1 protein (p.Val1723Met). This variant is not present in population databases (gnomAD no frequency). This variant has not been reported in the literature in individuals affected with COL5A1-related conditions. Invitae Evidence Modeling of protein sequence and biophysical properties (such as structural, functional, and spatial information, amino acid conservation, physicochemical variation, residue mobility, and thermodynamic stability) indicates that this missense variant is not expected to disrupt COL5A1 protein function with a negative predictive value of 95%. In summary, the available evidence is currently insufficient to determine the role of this variant in disease. Therefore, it has been classified as a Variant of Uncertain Significance.